The following is an entry in ClinVar:

NM_000929.3(PLA2G5):c.402C>A (p.Asn134Lys)

Gene: PLA2G5 (phospholipase A2 group V; plus strand). Cytogenetic location: 1p36.13.
Variant type: single nucleotide variant.
Coding change: c.402C>A on transcript NM_000929.3 (MANE Select); coding-DNA position 402, C replaced by A.
Protein change: p.Asn134Lys; replaces asparagine 134 with lysine.
Molecular consequence: missense variant.
Genome position (GRCh38, 1-based): chr1:20,090,677, C>A. VCF-style: chr1-20090677-C-A. GRCh37 (hg19) VCF-style: chr1-20417170-C-A.
Other names: short protein forms N134K.
Identifiers: ClinVar variation 858857 (VCV000858857.8), dbSNP rs112000348, ClinGen allele CA658288.

ClinVar aggregate classification (germline): Uncertain significance. Review status: criteria provided, multiple submitters, no conflicts (2 of 4 stars). 2 submissions from 2 submitters: Uncertain significance (2). Last evaluated 2026-02-02.

Allele frequency attached by ClinVar (database versions not stated): gnomAD exomes 0.00002 and 0.00004; ExAC 0.00004; ESP Exome Variant Server 0.00015; gnomAD 0.00015 and 0.00017; TOPMed 0.00028.
gnomAD v4.1: 56 of 1,614,062 alleles (0.0035%); highest among the groups gnomAD compares: African/African-American, 0.069%; no homozygotes.

Submissions (2):

Labcorp Genetics (formerly Invitae), Labcorp
Classification: Uncertain significance. Last evaluated: 2026-02-02. Review status: criteria provided, single submitter. Criteria: Invitae Variant Classification Sherloc (09022015). Collection method: clinical testing. Allele origin: germline.
Comment: This sequence change replaces asparagine, which is neutral and polar, with lysine, which is basic and polar, at codon 134 of the PLA2G5 protein (p.Asn134Lys). This variant is present in population databases (rs112000348, gnomAD 0.07%), and has an allele count higher than expected for a pathogenic variant. This variant has not been reported in the literature in individuals affected with PLA2G5-related conditions. ClinVar contains an entry for this variant (Variation ID: 858857). An algorithm developed to predict the effect of missense changes on protein structure and function (PolyPhen-2) suggests that this variant is likely to be tolerated. In summary, the available evidence is currently insufficient to determine the role of this variant in disease. Therefore, it has been classified as a Variant of Uncertain Significance.

Blueprint Genetics
Classification: Uncertain significance. Last evaluated: 2024-10-22. Review status: criteria provided, single submitter. Criteria: ACMG Guidelines, 2015. Collection method: clinical testing. Allele origin: germline.